The following is an entry in ClinVar:

NM_015378.4(VPS13D):c.7190A>G (p.Asn2397Ser)

Gene: VPS13D (vacuolar protein sorting 13 homolog D; plus strand). Cytogenetic location: 1p36.22.
Variant type: single nucleotide variant.
Coding change: c.7190A>G on transcript NM_015378.4 (MANE Select); coding-DNA position 7190, A replaced by G.
Protein change: p.Asn2397Ser; replaces asparagine 2397 with serine.
Molecular consequence: missense variant.
Genome position (GRCh38, 1-based): chr1:12,318,113, A>G. VCF-style: chr1-12318113-A-G. GRCh37 (hg19) VCF-style: chr1-12378170-A-G.
Other names: c.7190A>G, p.Asn2397Ser (NM_018156.4); c.7190A>G (NM_015378.2); short protein forms N2397S.
Identifiers: ClinVar variation 2071306 (VCV002071306.2), dbSNP rs149198663, ClinGen allele CA602779.

ClinVar aggregate classification (germline): Uncertain significance. Review status: criteria provided, multiple submitters, no conflicts (2 of 4 stars). 2 submissions from 2 submitters: Uncertain significance (2). Last evaluated 2025-05-04.

Conditions:
Inborn genetic diseases. Identifiers: MedGen C0950123, MeSH D030342.

Allele frequency attached by ClinVar (database versions not stated): ExAC 0.00004; ESP Exome Variant Server 0.00008; gnomAD exomes 0.00009; gnomAD 0.00009; TOPMed 0.00012.
gnomAD v4.1: 143 of 1,613,890 alleles (0.0089%); highest among the groups gnomAD compares: Non-Finnish European, 0.011%; no homozygotes.

Submissions (2):

Ambry Genetics
Classification: Uncertain significance for Inborn genetic diseases. Last evaluated: 2025-05-04. Review status: criteria provided, single submitter. Criteria: Ambry Variant Classification Scheme 2023. Collection method: clinical testing. Allele origin: germline.

Labcorp Genetics (formerly Invitae), Labcorp
Classification: Uncertain significance. Last evaluated: 2022-04-10. Review status: criteria provided, single submitter. Criteria: Invitae Variant Classification Sherloc (09022015). Collection method: clinical testing. Allele origin: germline.
Comment: This sequence change replaces asparagine, which is neutral and polar, with serine, which is neutral and polar, at codon 2397 of the VPS13D protein (p.Asn2397Ser). The frequency data for this variant in the population databases is considered unreliable, as metrics indicate poor data quality at this position in the gnomAD database. This variant has not been reported in the literature in individuals affected with VPS13D-related conditions. Algorithms developed to predict the effect of missense changes on protein structure and function are either unavailable or do not agree on the potential impact of this missense change (SIFT: "Deleterious"; PolyPhen-2: "Probably Damaging"; Align-GVGD: "Class C0"). In summary, the available evidence is currently insufficient to determine the role of this variant in disease. Therefore, it has been classified as a Variant of Uncertain Significance.